The following is an entry in ClinVar:

ClinVar aggregate classification (germline): Uncertain significance. Review status: criteria provided, multiple submitters, no conflicts (2 of 4 stars). 2 submissions from 2 submitters: Uncertain significance (2). Last evaluated 2025-07-02.

Conditions:
Duchenne muscular dystrophy (DMD). Also called: MUSCULAR DYSTROPHY, PSEUDOHYPERTROPHIC PROGRESSIVE, DUCHENNE TYPE; Duchenne Muscular Dystrophy (DMD). Identifiers: Orphanet 98896, MedGen C0013264, MONDO:0010679, OMIM 310200.
Cardiovascular phenotype. Identifiers: MedGen CN230736.

Submissions (2):

Labcorp Genetics (formerly Invitae), Labcorp
Classification: Uncertain significance for Duchenne muscular dystrophy. Last evaluated: 2025-07-02. Review status: criteria provided, single submitter. Criteria: Invitae Variant Classification Sherloc (09022015). Collection method: clinical testing. Allele origin: germline.
Comment: This sequence change replaces glutamine, which is neutral and polar, with proline, which is neutral and non-polar, at codon 983 of the DMD protein (p.Gln983Pro). This variant is not present in population databases (gnomAD no frequency). This variant has not been reported in the literature in individuals affected with DMD-related conditions. ClinVar contains an entry for this variant (Variation ID: 1911962). An algorithm developed to predict the effect of missense changes on protein structure and function (PolyPhen-2) suggests that this variant is likely to be disruptive. Algorithms developed to predict the effect of sequence changes on RNA splicing suggest that this variant may disrupt the consensus splice site. In summary, the available evidence is currently insufficient to determine the role of this variant in disease. Therefore, it has been classified as a Variant of Uncertain Significance.

Ambry Genetics
Classification: Uncertain significance for Cardiovascular phenotype. Last evaluated: 2024-06-14. Review status: criteria provided, single submitter. Criteria: Ambry Variant Classification Scheme 2023. Collection method: clinical testing. Allele origin: germline.
Comment: The p.Q983P variant (also known as c.2948A>C), located in coding exon 22 of the DMD gene, results from an A to C substitution at nucleotide position 2948. The glutamine at codon 983 is replaced by proline, an amino acid with similar properties. This amino acid position is not well conserved in available vertebrate species. In addition, this alteration is predicted to be tolerated by in silico analysis. Based on the available evidence, the clinical significance of this variant remains unclear.

NM_004006.3(DMD):c.2948A>C (p.Gln983Pro)

Gene: DMD (dystrophin; minus strand). Cytogenetic location: Xp21.1.
Variant type: single nucleotide variant.
Coding change: c.2948A>C on transcript NM_004006.3 (MANE Select); coding-DNA position 2948, A replaced by C.
Protein change: p.Gln983Pro; replaces glutamine 983 with proline.
Molecular consequence: missense variant.
Genome position (GRCh38, 1-based): chrX:32,472,165, T>G on the plus strand (A>C on the coding strand, the complement: DMD is on the minus strand). VCF-style: chrX-32472165-T-G. GRCh37 (hg19) VCF-style: chrX-32490282-T-G.
Other names: c.2924A>C, p.Gln975Pro (NM_000109.4); c.2936A>C, p.Gln979Pro (NM_004009.3); c.2579A>C, p.Gln860Pro (NM_004010.3); short protein forms Q983P, Q860P, Q975P, Q979P.
Identifiers: ClinVar variation 1911962 (VCV001911962.6), dbSNP rs2524674594, ClinGen allele CA412667701.